The following is an entry in ClinVar:

ClinVar aggregate classification (germline): Uncertain significance (1 of 4 stars; one submission).

Conditions:
Myopathy, centronuclear, 2 (CNM2). Also called: MYOTUBULAR MYOPATHY, AUTOSOMAL RECESSIVE. Identifiers: Orphanet 169186, MedGen CN031787, MONDO:0009709, OMIM 255200.

gnomAD v4.1: 1 of 1,612,880 alleles (0.000062%); highest among the groups gnomAD compares: African/African-American, 0.0013%; no homozygotes.

Submission:

Labcorp Genetics (formerly Invitae), Labcorp
Classification: Uncertain significance for Myopathy, centronuclear, 2. Last evaluated: 2024-10-16. Review status: criteria provided, single submitter. Criteria: Invitae Variant Classification Sherloc (09022015). Collection method: clinical testing. Allele origin: germline.
Comment: This sequence change replaces glycine, which is neutral and non-polar, with alanine, which is neutral and non-polar, at codon 561 of the BIN1 protein (p.Gly561Ala). This variant is not present in population databases (gnomAD no frequency). This variant has not been reported in the literature in individuals affected with BIN1-related conditions. Invitae Evidence Modeling of protein sequence and biophysical properties (such as structural, functional, and spatial information, amino acid conservation, physicochemical variation, residue mobility, and thermodynamic stability) indicates that this missense variant is expected to disrupt BIN1 protein function with a positive predictive value of 80%. In summary, the available evidence is currently insufficient to determine the role of this variant in disease. Therefore, it has been classified as a Variant of Uncertain Significance.

NM_139343.3(BIN1):c.1682G>C (p.Gly561Ala)

Gene: BIN1 (bridging integrator 1; minus strand). Cytogenetic location: 2q14.3.
Variant type: single nucleotide variant.
Coding change: c.1682G>C on transcript NM_139343.3 (MANE Select); coding-DNA position 1682, G replaced by C.
Protein change: p.Gly561Ala; replaces glycine 561 with alanine.
Molecular consequence: missense variant.
Genome position (GRCh38, 1-based): chr2:127,048,626, C>G on the plus strand (G>C on the coding strand, the complement: BIN1 is on the minus strand). VCF-style: chr2-127048626-C-G. GRCh37 (hg19) VCF-style: chr2-127806202-C-G.
Other names: c.1313G>C, p.Gly438Ala (NM_001320633.2); c.1058G>C, p.Gly353Ala (NM_001320634.1); c.1442G>C, p.Gly481Ala (NM_001320640.2); c.1589G>C, p.Gly530Ala (NM_001320641.2); c.1601G>C, p.Gly534Ala (NM_001320642.1); c.1265G>C, p.Gly422Ala (NM_004305.4); c.1553G>C, p.Gly518Ala (NM_139344.3); c.1421G>C, p.Gly474Ala (NM_139345.3); and 7 more; short protein forms G353A, G377A, G392A, G407A, G422A, G438A, G443A, G450A.
Identifiers: ClinVar variation 3625042 (VCV003625042.2).